The following is an entry in ClinVar:

ClinVar aggregate classification (germline): Uncertain significance (1 of 4 stars; one submission).

Conditions:
Hereditary antithrombin deficiency (AT3D). Also called: Antithrombin III deficiency; Thrombophilia due to antithrombin III deficiency; Reduced antithrombin III activity; Antithrombin deficiency. Identifiers: Orphanet 82, MedGen C0272375, MONDO:0013144, OMIM 613118, HP:0001976.

Allele frequency attached by ClinVar (database versions not stated): ExAC 0.00001; gnomAD exomes 0.00001.

Submission:

Labcorp Genetics (formerly Invitae), Labcorp
Classification: Uncertain significance for Hereditary antithrombin deficiency. Last evaluated: 2024-01-24. Review status: criteria provided, single submitter. Criteria: Invitae Variant Classification Sherloc (09022015). Collection method: clinical testing. Allele origin: germline.
Comment: This sequence change replaces glycine, which is neutral and non-polar, with serine, which is neutral and polar, at codon 360 of the SERPINC1 protein (p.Gly360Ser). This variant is present in population databases (rs767683540, gnomAD 0.005%). This variant has not been reported in the literature in individuals affected with SERPINC1-related conditions. ClinVar contains an entry for this variant (Variation ID: 2160213). Advanced modeling of protein sequence and biophysical properties (such as structural, functional, and spatial information, amino acid conservation, physicochemical variation, residue mobility, and thermodynamic stability) performed at Invitae indicates that this missense variant is not expected to disrupt SERPINC1 protein function with a negative predictive value of 80%. In summary, the available evidence is currently insufficient to determine the role of this variant in disease. Therefore, it has been classified as a Variant of Uncertain Significance.

NM_000488.4(SERPINC1):c.1078G>A (p.Gly360Ser)

Gene: SERPINC1 (serpin family C member 1; minus strand). Cytogenetic location: 1q25.1.
Variant type: single nucleotide variant.
Coding change: c.1078G>A on transcript NM_000488.4 (MANE Select); coding-DNA position 1078, G replaced by A.
Protein change: p.Gly360Ser; replaces glycine 360 with serine.
Molecular consequence: missense variant.
Genome position (GRCh38, 1-based): chr1:173,909,627, C>T on the plus strand (G>A on the coding strand, the complement: SERPINC1 is on the minus strand). VCF-style: chr1-173909627-C-T. GRCh37 (hg19) VCF-style: chr1-173878765-C-T.
Other names: c.934G>A, p.Gly312Ser (NM_001365052.2); c.1201G>A, p.Gly401Ser (NM_001386302.1); c.1159G>A, p.Gly387Ser (NM_001386303.1); c.1057G>A, p.Gly353Ser (NM_001386304.1); c.1021G>A, p.Gly341Ser (NM_001386305.1); c.862G>A, p.Gly288Ser (NM_001386306.1); short protein forms G387S, G401S, G288S, G312S, G341S, G353S, G360S.
Identifiers: ClinVar variation 2160213 (VCV002160213.2), dbSNP rs767683540, ClinGen allele CA1251284.